The following is an entry in ClinVar:

NM_001166114.2(PNPLA6):c.710G>A (p.Gly237Glu)

Gene: PNPLA6 (patatin like domain 6, lysophospholipase; plus strand). Cytogenetic location: 19p13.2.
Variant type: single nucleotide variant.
Coding change: c.710G>A on transcript NM_001166114.2 (MANE Select); coding-DNA position 710, G replaced by A.
Protein change: p.Gly237Glu; replaces glycine 237 with glutamic acid.
Molecular consequence: missense variant.
Genome position (GRCh38, 1-based): chr19:7,540,304, G>A. VCF-style: chr19-7540304-G-A. GRCh37 (hg19) VCF-style: chr19-7605190-G-A.
Other names: c.737G>A, p.Gly246Glu (NM_001166111.2); c.593G>A, p.Gly198Glu (NM_001166112.2, NM_001166113.1, NM_006702.5); short protein forms G198E, G237E, G246E.
Identifiers: ClinVar variation 424441 (VCV000424441.10), dbSNP rs765649401, ClinGen allele CA9139531.

ClinVar aggregate classification (germline): Uncertain significance. Review status: criteria provided, multiple submitters, no conflicts (2 of 4 stars). 2 submissions from 2 submitters: Uncertain significance (2). Last evaluated 2020-10-09.

Conditions:
Hereditary spastic paraplegia 39 (SPG39). Also called: SPASTIC PARAPLEGIA 39, AUTOSOMAL RECESSIVE; Spastic Paraplegia Type 39 (SPG39). Identifiers: Orphanet 139480, MedGen C2677586, MONDO:0012787, OMIM 612020.

Allele frequency attached by ClinVar (database versions not stated): gnomAD exomes below 0.00001; ExAC 0.00001.

Submissions (2):

Labcorp Genetics (formerly Invitae), Labcorp
Classification: Uncertain significance for Hereditary spastic paraplegia 39. Last evaluated: 2020-10-09. Review status: criteria provided, single submitter. Criteria: Invitae Variant Classification Sherloc (09022015). Collection method: clinical testing. Allele origin: germline.
Comment: In summary, the available evidence is currently insufficient to determine the role of this variant in disease. Therefore, it has been classified as a Variant of Uncertain Significance. Algorithms developed to predict the effect of missense changes on protein structure and function (SIFT, PolyPhen-2, Align-GVGD) all suggest that this variant is likely to be tolerated, but these predictions have not been confirmed by published functional studies and their clinical significance is uncertain. This variant has not been reported in the literature in individuals with PNPLA6-related conditions. ClinVar contains an entry for this variant (Variation ID: 424441). This variant is present in population databases (rs765649401, ExAC 0.009%). This sequence change replaces glycine with glutamic acid at codon 198 of the PNPLA6 protein (p.Gly198Glu). The glycine residue is moderately conserved and there is a moderate physicochemical difference between glycine and glutamic acid.

GeneDx
Classification: Uncertain significance. Last evaluated: 2017-03-22. Review status: criteria provided, single submitter. Criteria: GeneDx Variant Classification (06012015). Collection method: clinical testing. Allele origin: germline. Affected: yes.
Comment: A variant of uncertain significance has been identified in the PNPLA6 gene. The G198E variant has not been published as a pathogenic variant, nor has it been reported as a benign variant to our knowledge. The G198E variant is not observed at a significant frequency in large population cohorts (Lek et al., 2016; 1000 Genomes Consortium et al., 2015; Exome Variant Server). The G198E variant is a non-conservative amino acid substitution, which is likely to impact secondary protein structure as these residues differ in polarity, charge, size and/or other properties. However, this substitution occurs at a position that is not conserved. In silico analysis is inconsistent in its predictions as to whether or not the variant is damaging to the protein structure/function. Therefore, based on the currently available information, it is unclear whether this variant is a pathogenic variant or a rare benign variant.